The following is an entry in ClinVar:

NM_003719.5(PDE8B):c.728G>A (p.Ser243Asn)

Gene: PDE8B (phosphodiesterase 8B; plus strand). Cytogenetic location: 5q13.3.
Variant type: single nucleotide variant.
Coding change: c.728G>A on transcript NM_003719.5 (MANE Select); coding-DNA position 728, G replaced by A.
Protein change: p.Ser243Asn; replaces serine 243 with asparagine.
Molecular consequence: missense variant.
Genome position (GRCh38, 1-based): chr5:77,337,246, G>A. VCF-style: chr5-77337246-G-A. GRCh37 (hg19) VCF-style: chr5-76633071-G-A.
Other names: c.728G>A, p.Ser243Asn (NM_001029851.4, NM_001029852.4, NM_001029854.4 and 2 more transcripts); c.668G>A, p.Ser223Asn (NM_001029853.4); c.725G>A, p.Ser242Asn (NM_001349748.3, NM_001349751.3, NM_001376065.1); c.791G>A, p.Ser264Asn (NM_001349749.3); c.488G>A, p.Ser163Asn (NM_001349750.3); c.422G>A, p.Ser141Asn (NM_001349752.3, NM_001376071.1); c.356G>A, p.Ser119Asn (NM_001349753.2, NM_001376067.1, NM_001376068.1 and 3 more transcripts); c.425G>A, p.Ser142Asn (NM_001376062.1, NM_001376070.1, NM_001376072.1 and 1 more transcripts); and 2 more; short protein forms S119N, S141N, S223N, S142N, S242N, S163N, S243N, S122N.
Identifiers: ClinVar variation 4696903 (VCV004696903.1).

ClinVar aggregate classification (germline): Uncertain significance (1 of 4 stars; one submission).

gnomAD v4.1: 3 of 1,581,198 alleles (0.00019%); highest among the groups gnomAD compares: Non-Finnish European, 0.00026%; no homozygotes.

Submission:

Labcorp Genetics (formerly Invitae), Labcorp
Classification: Uncertain significance. Last evaluated: 2025-09-03. Review status: criteria provided, single submitter. Criteria: Invitae Variant Classification Sherloc (09022015). Collection method: clinical testing. Allele origin: germline.
Comment: This sequence change replaces serine, which is neutral and polar, with asparagine, which is neutral and polar, at codon 243 of the PDE8B protein (p.Ser243Asn). This variant is not present in population databases (gnomAD no frequency). This variant has not been reported in the literature in individuals affected with PDE8B-related conditions. An algorithm developed to predict the effect of missense changes on protein structure and function outputs the following: PolyPhen-2: "Benign". The asparagine amino acid residue is found in multiple mammalian species, which suggests that this missense change does not adversely affect protein function. In summary, the available evidence is currently insufficient to determine the role of this variant in disease. Therefore, it has been classified as a Variant of Uncertain Significance.